The following is an entry in ClinVar:

ClinVar aggregate classification (germline): Uncertain significance (1 of 4 stars; one submission).

Conditions:
MITF-related disorder. Also called: MITF-related condition.

Allele frequency attached by ClinVar (database versions not stated): ExAC 0.00010; gnomAD 0.00013; ESP Exome Variant Server 0.00017; TOPMed 0.00017.
gnomAD v4.1: 346 of 1,613,700 alleles (0.021%); highest among the groups gnomAD compares: Non-Finnish European, 0.027%; no homozygotes.

Submission:

PreventionGenetics, part of Exact Sciences
Classification: Uncertain significance for MITF-related condition. Last evaluated: 2025-06-02. Review status: criteria provided, single submitter. Criteria: ACMG Guidelines, 2015. Collection method: clinical testing. Allele origin: germline.
Comment: The MITF c.53A>G variant is predicted to result in the amino acid substitution p.Tyr18Cys. To our knowledge, this variant has not been reported in the literature. This variant is reported in 0.024% of alleles in individuals of European (Finnish) descent in gnomAD. At this time, the clinical significance of this variant is uncertain due to the absence of conclusive functional and genetic evidence.

NM_001354604.2(MITF):c.105-12791A>G

Gene: MITF (melanocyte inducing transcription factor; plus strand). Cytogenetic location: 3p13.
Variant type: single nucleotide variant.
Coding change: c.105-12791A>G on transcript NM_001354604.2 (MANE Select); 12791 bases into the intron before coding-DNA position 105, A replaced by G.
Molecular consequence: intron variant. On other transcripts: missense variant (1).
Genome position (GRCh38, 1-based): chr3:69,866,343, A>G. VCF-style: chr3-69866343-A-G. GRCh37 (hg19) VCF-style: chr3-69915494-A-G.
Other names: c.53A>G, p.Tyr18Cys (NM_198177.3); c.54-12791A>G (NM_001354607.2); c.-52-12791A>G (NM_001354608.2, NM_001184967.2); c.105-12791A>G (NM_198159.3); c.105-12794A>G (NM_001354605.2, NM_001354606.2); c.102-12791A>G (NM_006722.3); short protein forms Y18C.
Identifiers: ClinVar variation 3048249 (VCV003048249.3), dbSNP rs202166652, ClinGen allele CA2490221.